The following is an entry in ClinVar:

NM_000264.5(PTCH1):c.3779A>G (p.Glu1260Gly)

Gene: PTCH1 (patched 1; minus strand). Cytogenetic location: 9q22.32.
Variant type: single nucleotide variant.
Coding change: c.3779A>G on transcript NM_000264.5 (MANE Select); coding-DNA position 3779, A replaced by G.
Protein change: p.Glu1260Gly; replaces glutamic acid 1260 with glycine.
Molecular consequence: missense variant. On other transcripts: non-coding transcript variant (1).
Genome position (GRCh38, 1-based): chr9:95,449,094, T>C on the plus strand (A>G on the coding strand, the complement: PTCH1 is on the minus strand). VCF-style: chr9-95449094-T-C. GRCh37 (hg19) VCF-style: chr9-98211376-T-C.
Other names: c.3581A>G, p.Glu1194Gly (NM_001083602.3); c.3776A>G, p.Glu1259Gly (NM_001083603.3); c.3326A>G, p.Glu1109Gly (NM_001083604.3, NM_001083605.3, NM_001083606.3 and 1 more transcripts); c.3623A>G, p.Glu1208Gly (NM_001354918.2); short protein forms E1109G, E1259G, E1208G, E1260G, E1194G.
Identifiers: ClinVar variation 2064706 (VCV002064706.4), dbSNP rs2538012476, ClinGen allele CA374110954.

ClinVar aggregate classification (germline): Uncertain significance (1 of 4 stars; one submission).

Conditions:
Gorlin syndrome. Also called: Basal cell nevus syndrome; Nevoid Basal Cell Carcinoma Syndrome. Identifiers: Orphanet 377, MedGen C0004779, MONDO:0007187.

Submission:

Labcorp Genetics (formerly Invitae), Labcorp
Classification: Uncertain significance for Gorlin syndrome. Last evaluated: 2024-05-29. Review status: criteria provided, single submitter. Criteria: Invitae Variant Classification Sherloc (09022015). Collection method: clinical testing. Allele origin: germline.
Comment: This sequence change replaces glutamic acid, which is acidic and polar, with glycine, which is neutral and non-polar, at codon 1260 of the PTCH1 protein (p.Glu1260Gly). This variant is not present in population databases (gnomAD no frequency). This variant has not been reported in the literature in individuals affected with PTCH1-related conditions. ClinVar contains an entry for this variant (Variation ID: 2064706). Advanced modeling of protein sequence and biophysical properties (such as structural, functional, and spatial information, amino acid conservation, physicochemical variation, residue mobility, and thermodynamic stability) performed at Invitae indicates that this missense variant is not expected to disrupt PTCH1 protein function with a negative predictive value of 95%. In summary, the available evidence is currently insufficient to determine the role of this variant in disease. Therefore, it has been classified as a Variant of Uncertain Significance.